The following is an entry in ClinVar:

ClinVar aggregate classification (germline): Uncertain significance (1 of 4 stars; one submission).

Allele frequency attached by ClinVar (database versions not stated): gnomAD exomes 0.00002.
gnomAD v4.1: 31 of 1,614,004 alleles (0.0019%); highest among the groups gnomAD compares: Non-Finnish European, 0.0025%; no homozygotes.

Submission:

Labcorp Genetics (formerly Invitae), Labcorp
Classification: Uncertain significance. Last evaluated: 2023-08-10. Review status: criteria provided, single submitter. Criteria: Invitae Variant Classification Sherloc (09022015). Collection method: clinical testing. Allele origin: germline.
Comment: This variant has not been reported in the literature in individuals affected with ABRAXAS1-related conditions. In summary, the available evidence is currently insufficient to determine the role of this variant in disease. Therefore, it has been classified as a Variant of Uncertain Significance. Advanced modeling of protein sequence and biophysical properties (such as structural, functional, and spatial information, amino acid conservation, physicochemical variation, residue mobility, and thermodynamic stability) performed at Invitae indicates that this missense variant is not expected to disrupt ABRAXAS1 protein function. ClinVar contains an entry for this variant (Variation ID: 1041955). This variant is not present in population databases (gnomAD no frequency). This sequence change replaces tyrosine, which is neutral and polar, with histidine, which is basic and polar, at codon 313 of the ABRAXAS1 protein (p.Tyr313His).

NM_139076.3(ABRAXAS1):c.937T>C (p.Tyr313His)

Gene: ABRAXAS1 (abraxas 1, BRCA1 A complex subunit; minus strand). Cytogenetic location: 4q21.23.
Variant type: single nucleotide variant.
Coding change: c.937T>C on transcript NM_139076.3 (MANE Select); coding-DNA position 937, T replaced by C.
Protein change: p.Tyr313His; replaces tyrosine 313 with histidine.
Molecular consequence: missense variant.
Genome position (GRCh38, 1-based): chr4:83,462,762, A>G on the plus strand (T>C on the coding strand, the complement: ABRAXAS1 is on the minus strand). VCF-style: chr4-83462762-A-G. GRCh37 (hg19) VCF-style: chr4-84383915-A-G.
Other names: c.610T>C, p.Tyr204His (NM_001345962.2); short protein forms Y313H, Y204H.
Identifiers: ClinVar variation 1041955 (VCV001041955.8), dbSNP rs1722179072, ClinGen allele CA357255872.